The following is an entry in ClinVar:

ClinVar aggregate classification (germline): Conflicting classifications of pathogenicity. Review status: criteria provided, conflicting classifications (1 of 4 stars). 4 submissions from 4 submitters: Likely pathogenic (1); Uncertain significance (3). Last evaluated 2026-08-21.

Conditions:
Hereditary cancer-predisposing syndrome. Also called: Hereditary Cancer Syndrome; Tumor predisposition; Hereditary neoplastic syndrome; Neoplastic Syndromes, Hereditary. Identifiers: Orphanet 140162, MedGen C0027672, MeSH D009386, MONDO:0015356.
Familial adenomatous polyposis 2. Also called: MUTYH-associated polyposis; Adenomas, multiple colorectal; FAP type 2; MUTYH Polyposis; COLORECTAL ADENOMATOUS POLYPOSIS, AUTOSOMAL RECESSIVE; ADENOMAS, MULTIPLE COLORECTAL, AUTOSOMAL RECESSIVE. Identifiers: Orphanet 220460, Orphanet 247798, MedGen C3272841, MONDO:0012041, OMIM 608456.

gnomAD v4.1: 1 of 1,614,098 alleles (0.000062%); highest among the groups gnomAD compares: Non-Finnish European, 0.000085%; no homozygotes.

Submissions (4):

Myriad Genetics, Inc.
Classification: Likely pathogenic for Familial adenomatous polyposis 2. Last evaluated: 2026-08-21. Review status: criteria provided, single submitter. Criteria: Myriad Autosomal Dominant, Autosomal Recessive and X-Linked Classification Criteria (2023). Collection method: clinical testing. Allele origin: unknown.
Comment: This variant is considered likely pathogenic. Functional studies indicate this variant impacts protein function [PMID: 40738107]. This variant is expected to disrupt protein structure [Myriad internal data].

Color Diagnostics, LLC DBA Color Health
Classification: Uncertain significance for Hereditary cancer-predisposing syndrome. Last evaluated: 2019-04-04. Review status: criteria provided, single submitter. Criteria: ACMG Guidelines, 2015. Collection method: clinical testing. Allele origin: germline.

Labcorp Genetics (formerly Invitae), Labcorp
Classification: Uncertain significance for Familial adenomatous polyposis 2. Last evaluated: 2018-09-26. Review status: criteria provided, single submitter. Criteria: Invitae Variant Classification Sherloc (09022015). Collection method: clinical testing. Allele origin: germline.
Comment: Algorithms developed to predict the effect of missense changes on protein structure and function are either unavailable or do not agree on the potential impact of this missense change (SIFT: "Tolerated"; PolyPhen-2: "Probably Damaging"; Align-GVGD: "Class C0"). In summary, the available evidence is currently insufficient to determine the role of this variant in disease. Therefore, it has been classified as a Variant of Uncertain Significance. This variant has not been reported in the literature in individuals with MUTYH-related disease. ClinVar contains an entry for this variant (Variation ID: 232935). This variant is not present in population databases (ExAC no frequency). This sequence change replaces arginine with proline at codon 474 of the MUTYH protein (p.Arg474Pro). The arginine residue is highly conserved and there is a moderate physicochemical difference between arginine and proline.

Ambry Genetics
Classification: Uncertain significance for Hereditary cancer-predisposing syndrome. Last evaluated: 2015-07-16. Review status: criteria provided, single submitter. Criteria: Ambry Autosomal Dominant and X-Linked criteria (10/2015). Collection method: clinical testing. Allele origin: germline. Observed: 1 variant allele.
Comment: The p.R474P variant (also known as c.1421G>C), located in coding exon 14 of the MUTYH gene, results from a G to C substitution at nucleotide position 1421. The arginine at codon 474 is replaced by proline, an amino acid with dissimilar properties. This variant was not reported in population based cohorts in the following databases: Database of Single Nucleotide Polymorphisms (dbSNP), NHLBI Exome Sequencing Project (ESP), and 1000 Genomes Project. In the ESP, this variant was not observed in 6503 samples (13006 alleles) with coverage at this position. To date, this alteration has been detected with an allele frequency of approximately 0.001% (greater than 75,000 alleles tested) in our clinical cohort.This amino acid position is well conserved in available vertebrate species. In addition, the in silico prediction for this alteration is inconclusive.Since supporting evidence is limited at this time, the clinical significance of p.R474P remains unclear.

Literature cited by the submitters: PubMed 40738107 (cited by Myriad Genetics, Inc.).

NM_001048174.2(MUTYH):c.1337G>C (p.Arg446Pro)

Gene: MUTYH (mutY DNA glycosylase; minus strand). Cytogenetic location: 1p34.1.
Variant type: single nucleotide variant.
Coding change: c.1337G>C on transcript NM_001048174.2 (MANE Select); coding-DNA position 1337, G replaced by C.
Protein change: p.Arg446Pro; replaces arginine 446 with proline.
Molecular consequence: missense variant. On other transcripts: non-coding transcript variant (2).
Genome position (GRCh38, 1-based): chr1:45,331,237, C>G on the plus strand (G>C on the coding strand, the complement: MUTYH is on the minus strand). VCF-style: chr1-45331237-C-G. GRCh37 (hg19) VCF-style: chr1-45796909-C-G.
Other names: c.1337G>C, p.Arg446Pro (NM_001048171.2, NM_001048173.2, NM_001293195.2); c.1340G>C, p.Arg447Pro (NM_001048172.2); c.1421G>C, p.Arg474Pro (NM_001128425.2); c.1382G>C, p.Arg461Pro (NM_001293190.2); c.1370G>C, p.Arg457Pro (NM_001293191.2); c.1061G>C, p.Arg354Pro (NM_001293192.2, NM_001293196.2); c.992G>C, p.Arg331Pro (NM_001350650.2, NM_001350651.2); c.1412G>C, p.Arg471Pro (NM_012222.3); short protein forms R474P, R471P, R446P, R354P, R331P, R447P, R457P, R461P.
Identifiers: ClinVar variation 232935 (VCV000232935.15), dbSNP rs764276907, ClinGen allele CA10577702.
Genomic context (GRCh38, chr1:45,331,237, plus strand): 5'-AGTGCCTTTTTCATGGCGGTGGAAACAGCTGCGGTGTGAAATTCCTCCTGCGTCAGCCAG[C>G]GAGCACCTGGTGGTACGGTGGTCACTGGGGTCTGCCCTTCCAAGGCCAGCCCATATACTT-3'
Protein context (NP_001041639.1, residues 436-456): TPVTTVPPGA[Arg446Pro]WLTQEEFHTA